The following is an entry in ClinVar:

ClinVar aggregate classification (germline): Uncertain significance. Review status: criteria provided, multiple submitters, no conflicts (2 of 4 stars). 2 submissions from 2 submitters: Uncertain significance (2). Last evaluated 2025-12-09.

Conditions:
Dystonic disorder. Also called: Dystonia. Identifiers: MedGen C0013421, MONDO:0003441, HP:0001332.

Allele frequency attached by ClinVar (database versions not stated): ExAC 0.00001; gnomAD 0.00001; gnomAD exomes 0.00001.
gnomAD v4.1: 9 of 1,613,908 alleles (0.00056%); highest among the groups gnomAD compares: Non-Finnish European, 0.00076%; no homozygotes.

Submissions (2):

Ambry Genetics
Classification: Uncertain significance. Last evaluated: 2025-12-09. Review status: criteria provided, single submitter. Criteria: Ambry Variant Classification Scheme 2023. Collection method: clinical testing. Allele origin: germline.

Labcorp Genetics (formerly Invitae), Labcorp
Classification: Uncertain significance for Dystonic disorder. Last evaluated: 2022-02-22. Review status: criteria provided, single submitter. Criteria: Invitae Variant Classification Sherloc (09022015). Collection method: clinical testing. Allele origin: germline.
Comment: This sequence change replaces proline, which is neutral and non-polar, with histidine, which is basic and polar, at codon 300 of the DRD2 protein (p.Pro300His). This variant is present in population databases (rs765357874, gnomAD 0.002%). This variant has not been reported in the literature in individuals affected with DRD2-related conditions. ClinVar contains an entry for this variant (Variation ID: 653951). Algorithms developed to predict the effect of missense changes on protein structure and function are either unavailable or do not agree on the potential impact of this missense change (SIFT: "Deleterious"; PolyPhen-2: "Benign"; Align-GVGD: "Class C25"). In summary, the available evidence is currently insufficient to determine the role of this variant in disease. Therefore, it has been classified as a Variant of Uncertain Significance.

NM_000795.4(DRD2):c.899C>A (p.Pro300His)

Gene: DRD2 (dopamine receptor D2; minus strand). Cytogenetic location: 11q23.2.
Variant type: single nucleotide variant.
Coding change: c.899C>A on transcript NM_000795.4 (MANE Select); coding-DNA position 899, C replaced by A.
Protein change: p.Pro300His; replaces proline 300 with histidine.
Molecular consequence: missense variant.
Genome position (GRCh38, 1-based): chr11:113,412,795, G>T on the plus strand (C>A on the coding strand, the complement: DRD2 is on the minus strand). VCF-style: chr11-113412795-G-T. GRCh37 (hg19) VCF-style: chr11-113283517-G-T.
Other names: c.812C>A, p.Pro271His (NM_016574.4); short protein forms P271H, P300H.
Identifiers: ClinVar variation 653951 (VCV000653951.9), dbSNP rs765357874, ClinGen allele CA6281232.